The following is an entry in ClinVar:

NM_004329.3(BMPR1A):c.650del (p.Gly217fs)

Gene: BMPR1A (bone morphogenetic protein receptor type 1A; plus strand). Cytogenetic location: 10q23.2.
Variant type: Deletion.
Coding change: c.650del on transcript NM_004329.3 (MANE Select); coding-DNA position 650, one base deleted (G; older notation c.650delG).
Protein change: p.Gly217fs; shifts the reading frame from glycine 217.
Molecular consequence: frameshift variant.
Genome position (GRCh38, 1-based): chr10:86,912,359, G deleted; the last of 2 consecutive G bases (chr10:86,912,358-86,912,359); deleting either gives the same sequence. VCF-style (leftmost placement, unchanged base first): chr10-86912357-TG-T. GRCh37 (hg19) VCF-style: chr10-88672114-TG-T.
Other names: short protein forms G217fs.
Identifiers: ClinVar variation 962535 (VCV000962535.8), dbSNP rs1843504014, ClinGen allele CA1139661548.
Genomic context (GRCh38, chr10:86,912,357, plus strand): 5'-TGAAGCATTTATTCCAGTTGGAGAATCACTAAAAGACCTTATTGACCAGTCACAAAGTTC[TG>T]GTAGTGGGTCTGGACTACCTTTATTGGTAAGTTAAACGTTCCTATAGACATGAATGGTGT-3'

ClinVar aggregate classification (germline): Pathogenic (1 of 4 stars; one submission).

Conditions:
Juvenile polyposis syndrome (JPS). Identifiers: Orphanet 2929, MedGen C0345893, MONDO:0017380, OMIM 174900.

Submission:

Labcorp Genetics (formerly Invitae), Labcorp
Classification: Pathogenic for Juvenile polyposis syndrome. Last evaluated: 2019-11-10. Review status: criteria provided, single submitter. Criteria: Invitae Variant Classification Sherloc (09022015). Collection method: clinical testing. Allele origin: germline.
Comment: For these reasons, this variant has been classified as Pathogenic. Loss-of-function variants in BMPR1A are known to be pathogenic (PMID: 11536076, 12417513). This variant has not been reported in the literature in individuals with BMPR1A-related conditions. This variant is not present in population databases (ExAC no frequency). This sequence change creates a premature translational stop signal (p.Gly217Valfs*44) in the BMPR1A gene. It is expected to result in an absent or disrupted protein product.

Literature cited by the submitters: PubMed 11536076; PubMed 12417513.